The following is an entry in ClinVar:

NM_016247.4(IMPG2):c.1864G>C (p.Glu622Gln)

Gene: IMPG2 (interphotoreceptor matrix proteoglycan 2; minus strand). Cytogenetic location: 3q12.3.
Variant type: single nucleotide variant.
Coding change: c.1864G>C on transcript NM_016247.4 (MANE Select); coding-DNA position 1864, G replaced by C.
Protein change: p.Glu622Gln; replaces glutamic acid 622 with glutamine.
Molecular consequence: missense variant.
Genome position (GRCh38, 1-based): chr3:101,244,467, C>G on the plus strand (G>C on the coding strand, the complement: IMPG2 is on the minus strand). VCF-style: chr3-101244467-C-G. GRCh37 (hg19) VCF-style: chr3-100963311-C-G.
Other names: short protein forms E622Q.
Identifiers: ClinVar variation 2313838 (VCV002313838.4), dbSNP rs755276527, ClinGen allele CA2519081.
Genomic context (GRCh38, chr3:101,244,467, plus strand): 5'-CTGGCAAAAGTGAATCATCATCTTCAAGCCACGGCTTGGACAGTGGTTCAGCGCTCTTCT[C>G]TGATGAAGTCTCACTCCATGGCCAAGTAATCAGATCTACCTTTTGCCCAGACCCTGAACC-3'
Protein context (NP_057331.2, residues 612-632): ITWPWSETSS[Glu622Gln]KSAEPLSKPW

ClinVar aggregate classification (germline): Uncertain significance. Review status: criteria provided, multiple submitters, no conflicts (2 of 4 stars). 2 submissions from 2 submitters: Uncertain significance (2). Last evaluated 2025-12-31.

Conditions:
Inborn genetic diseases. Identifiers: MedGen C0950123, MeSH D030342.

Allele frequency attached by ClinVar (database versions not stated): TOPMed 0.00002; ExAC 0.00003; gnomAD 0.00005; gnomAD exomes 0.00006.
gnomAD v4.1: 87 of 1,613,974 alleles (0.0054%); highest among the groups gnomAD compares: Non-Finnish European, 0.0074%; no homozygotes.

Submissions (2):

Labcorp Genetics (formerly Invitae), Labcorp
Classification: Uncertain significance. Last evaluated: 2025-12-31. Review status: criteria provided, single submitter. Criteria: Invitae Variant Classification Sherloc (09022015). Collection method: clinical testing. Allele origin: germline.
Comment: This sequence change replaces glutamic acid, which is acidic and polar, with glutamine, which is neutral and polar, at codon 622 of the IMPG2 protein (p.Glu622Gln). This variant is present in population databases (rs755276527, gnomAD 0.009%). This variant has not been reported in the literature in individuals affected with IMPG2-related conditions. ClinVar contains an entry for this variant (Variation ID: 2313838). Invitae Evidence Modeling of protein sequence and biophysical properties (such as structural, functional, and spatial information, amino acid conservation, physicochemical variation, residue mobility, and thermodynamic stability) indicates that this missense variant is not expected to disrupt IMPG2 protein function with a negative predictive value of 80%. In summary, the available evidence is currently insufficient to determine the role of this variant in disease. Therefore, it has been classified as a Variant of Uncertain Significance.

Ambry Genetics
Classification: Uncertain significance for Inborn genetic diseases. Last evaluated: 2025-04-11. Review status: criteria provided, single submitter. Criteria: Ambry Variant Classification Scheme 2023. Collection method: clinical testing. Allele origin: germline.